The following is an entry in ClinVar:

NM_194277.3(FRMD7):c.381A>G (p.Gln127=)

Gene: FRMD7 (FERM domain containing 7; minus strand). Cytogenetic location: Xq26.2.
Variant type: single nucleotide variant.
Coding change: c.381A>G on transcript NM_194277.3 (MANE Select); coding-DNA position 381, A replaced by G.
Protein change: p.Gln127=; no amino-acid change (glutamine 127 retained).
Molecular consequence: synonymous variant.
Genome position (GRCh38, 1-based): chrX:132,094,043, T>C on the plus strand (A>G on the coding strand, the complement: FRMD7 is on the minus strand). VCF-style: chrX-132094043-T-C. GRCh37 (hg19) VCF-style: chrX-131228071-T-C.
Other names: c.336A>G, p.Gln112= (NM_001306193.2).
Identifiers: ClinVar variation 3672939 (VCV003672939.3).

ClinVar aggregate classification (germline): Uncertain significance (1 of 4 stars; one submission).

Submissions (2):

Labcorp Genetics (formerly Invitae), Labcorp
Classification: Uncertain significance. Last evaluated: 2024-02-08. Review status: criteria provided, single submitter. Criteria: Invitae Variant Classification Sherloc (09022015). Collection method: clinical testing. Allele origin: germline.
Comment: This sequence change affects codon 127 of the FRMD7 mRNA. It is a 'silent' change, meaning that it does not change the encoded amino acid sequence of the FRMD7 protein. It affects a nucleotide within the consensus splice site. This variant is not present in population databases (gnomAD no frequency). This variant has not been reported in the literature in individuals affected with FRMD7-related conditions. Algorithms developed to predict the effect of sequence changes on RNA splicing suggest that this variant is not likely to affect RNA splicing. In summary, the available evidence is currently insufficient to determine the role of this variant in disease. Therefore, it has been classified as a Variant of Uncertain Significance.

Dr. Peter K. Rogan Lab, Western University
No classification provided (evidence only). Condition: Nonpapillary renal cell carcinoma. Review status: no classification provided. Collection method: in vitro. Allele origin: not applicable. Functional consequence: retained intron. Not counted in ClinVar's aggregate classification.